The following is an entry in ClinVar:

ClinVar aggregate classification (germline): Pathogenic/Likely pathogenic. Review status: criteria provided, multiple submitters, no conflicts (2 of 4 stars). 4 submissions from 4 submitters: Pathogenic (2); Likely pathogenic (2). Last evaluated 2026-04-23.

Conditions:
Primary ciliary dyskinesia. Also called: Ciliary dyskinesia. Identifiers: Orphanet 244, MedGen C0008780, MONDO:0016575, HP:0012265.
Primary ciliary dyskinesia 3. Identifiers: Orphanet 244, MedGen C1837618, MONDO:0012085, OMIM 608644.

Allele frequency attached by ClinVar (database versions not stated): gnomAD 0.00001; TOPMed 0.00002.
gnomAD v4.1: 1 of 1,614,000 alleles (0.000062%); highest among the groups gnomAD compares: Admixed American, 0.0017%; no homozygotes.

Submissions (4):

Myriad Genetics, Inc.
Classification: Pathogenic for Primary ciliary dyskinesia 3. Last evaluated: 2026-04-23. Review status: criteria provided, single submitter. Criteria: Myriad Autosomal Dominant, Autosomal Recessive and X-Linked Classification Criteria (2023). Collection method: clinical testing. Allele origin: unknown.
Comment: NM_001369.2(DNAH5):c.2533C>T(Q845*) is a nonsense variant classified as pathogenic in the context of primary ciliary dyskinesia, DNAH5-related. Q845* has not been observed in cases with relevant disease. Relevant functional assessments of this variant are not available in the literature. Q845* has not been observed in referenced population frequency databases. In summary, NM_001369.2(DNAH5):c.2533C>T(Q845*) is a nonsense variant in a gene where loss of function is a known mechanism of disease and is predicted to disrupt protein function. Please note: this variant was assessed in the context of healthy population screening.

Natera, Inc.
Classification: Likely pathogenic for Primary ciliary dyskinesia. Last evaluated: 2025-08-11. Review status: criteria provided, single submitter. Criteria: Natera Variant Classification Schema (03/2026). Collection method: clinical testing. Allele origin: germline.
Comment: The c.2533C>T variant in DNAH5 is a nonsense variant predicted to introduce a stop codon at amino acid 845. This variant is expected to result in nonsense mediated decay, truncation, or a dysfunctional protein product. This variant is rare in the general population with a frequency below the threshold expected for the associated phenotype(s). Given the available evidence, this variant is classified as Likely Pathogenic.

Labcorp Genetics (formerly Invitae), Labcorp
Classification: Pathogenic for Primary ciliary dyskinesia. Last evaluated: 2025-03-04. Review status: criteria provided, single submitter. Criteria: Invitae Variant Classification Sherloc (09022015). Collection method: clinical testing. Allele origin: germline.
Comment: This sequence change creates a premature translational stop signal (p.Gln845*) in the DNAH5 gene. It is expected to result in an absent or disrupted protein product. Loss-of-function variants in DNAH5 are known to be pathogenic (PMID: 11788826, 16627867). This variant is not present in population databases (gnomAD no frequency). This variant has not been reported in the literature in individuals affected with DNAH5-related conditions. ClinVar contains an entry for this variant (Variation ID: 407232). For these reasons, this variant has been classified as Pathogenic.

Fulgent Genetics
Classification: Likely pathogenic for Primary ciliary dyskinesia 3. Last evaluated: 2024-05-02. Review status: criteria provided, single submitter. Criteria: ACMG Guidelines, 2015. Collection method: clinical testing. Allele origin: germline.

Literature cited by the submitters: PubMed 11788826 (cited by Labcorp Genetics (formerly Invitae), Labcorp); PubMed 16627867 (cited by Labcorp Genetics (formerly Invitae), Labcorp).

NM_001369.3(DNAH5):c.2533C>T (p.Gln845Ter)

Genes: DNAH5 (dynein axonemal heavy chain 5; minus strand), DNAH5-AS1 (DNAH5 antisense RNA 1; plus strand). Cytogenetic location: 5p15.2.
Variant type: single nucleotide variant.
Coding change: c.2533C>T on transcript NM_001369.3 (MANE Select); coding-DNA position 2533, C replaced by T.
Protein change: p.Gln845Ter; replaces glutamine 845 with a stop codon.
Molecular consequence: nonsense.
Genome position (GRCh38, 1-based): chr5:13,891,020, G>A on the plus strand (C>T on the coding strand, the complement: DNAH5 is on the minus strand). VCF-style: chr5-13891020-G-A. GRCh37 (hg19) VCF-style: chr5-13891129-G-A.
Other names: short protein forms Q845*.
Identifiers: ClinVar variation 407232 (VCV000407232.10), dbSNP rs1060501458, ClinGen allele CA16611879.
Genomic context (GRCh38, chr5:13,891,020, plus strand): 5'-TCAAGGTTTTAATGACCTTTGTCATTTGGAGAAACTCTTCACAGGTTAGTGGCTCCTCCT[G>A]GGGAAGCTGACAAAGAGGCGTGCTGCTCATTTCTTCTAGAATGGCATCAATGCGGAACTC-3'